The following is an entry in ClinVar:

ClinVar aggregate classification (germline): Pathogenic (1 of 4 stars; one submission).

Submission:

ISCA Site 6
Classification: Pathogenic. Last evaluated: 2011-08-12. Review status: criteria provided, single submitter. Criteria: Kaminsky et al. (Genet Med. 2011). Collection method: clinical testing. Allele origin: de novo. Affected: yes. Observed: 1 variant allele.
Comment: Copy number variation identified through the course of routine clinical cytogenomic testing in postnatal populations. Clinical assertions have been curated as described in Kaminsky et al. 2011.

GRCh38/hg38 6q26-27(chr6:163420224-170608818)x1

Genes: MEAT6 (melanoma-associated transcript 6; minus strand), MIR1913 (microRNA 1913; minus strand), MIR3939 (microRNA 3939; minus strand), MIR4644 (microRNA 4644; plus strand), MPC1 (mitochondrial pyruvate carrier 1; minus strand) and 224 more. Cytogenetic location: 6q26-27.
Variant type: copy number loss.
Change: copy number 1 (one copy instead of two) of chr6:163,420,224-170,608,818 (7.19 Mb, GRCh38 coordinates, 1-based), cytogenetic band 6q26-27.
Identifiers: ClinVar variation 58470 (VCV000058470.2).